The following is an entry in ClinVar:

ClinVar aggregate classification (germline): Pathogenic (1 of 4 stars; one submission).

Conditions:
Hereditary breast ovarian cancer syndrome. Also called: Hereditary breast and ovarian cancer syndrome (HBOC); Hereditary breast and ovarian cancer syndrome; Breast and ovarian cancer; Hereditary breast and/or ovarian cancer syndrome; Hereditary breast and ovarian cancer; BRCA1- and BRCA2-Associated Hereditary Breast and Ovarian Cancer. Identifiers: Orphanet 145, MedGen C0677776, MeSH D061325, MONDO:0003582. Disease mechanism: loss of function.

Submission:

Labcorp Genetics (formerly Invitae), Labcorp
Classification: Pathogenic for Hereditary breast ovarian cancer syndrome. Last evaluated: 2017-04-05. Review status: criteria provided, single submitter. Criteria: Invitae Variant Classification Sherloc (09022015). Collection method: clinical testing. Allele origin: germline.
Comment: For these reasons, this variant has been classified as Pathogenic. While this particular variant has not been reported in the literature, loss-of-function variants in BRCA1 are known to be pathogenic (PMID: 20104584). This sequence change inserts 2 nucleotides in exon 10 of the BRCA1 mRNA (c.3543_3544insGA), causing a frameshift at codon 1182. This creates a premature translational stop signal (p.Gln1182Aspfs*29) and is expected to result in an absent or disrupted protein product.

Literature cited by the submitters: PubMed 20104584.

NM_007294.4(BRCA1):c.3543_3544insGA (p.Gln1182fs)

Genes: BRCA1 (BRCA1 DNA repair associated; minus strand), LOC126862571 (BRD4-independent group 4 enhancer GRCh37_chr17:41243136-41244335; plus strand). Cytogenetic location: 17q21.31.
Variant type: Insertion.
Coding change: c.3543_3544insGA on transcript NM_007294.4 (MANE Select); coding-DNA positions 3543 to 3544, GA inserted.
Protein change: p.Gln1182fs; shifts the reading frame from glutamine 1182.
Molecular consequence: frameshift variant. On other transcripts: intron variant (135).
Genome position: GRCh38 VCF-style: chr17-43091987-G-GTC. GRCh37 (hg19) VCF-style: chr17-41244004-G-GTC.
Other names: c.3543_3544insGA, p.Gln1182fs (NM_001407585.1, NM_001407594.1, NM_001407596.1 and 30 more transcripts); c.3540_3541insGA, p.Gln1181fs (NM_001407861.1, NM_001407587.1, NM_001407590.1 and 22 more transcripts); c.3342_3343insGA, p.Gln1115fs (NM_001407862.1); c.3420_3421insGA, p.Gln1141fs (NM_001407863.1, NM_001407648.1, NM_001407664.1 and 19 more transcripts); c.3339_3340insGA, p.Gln1114fs (NM_001407875.1, NM_001407874.1); c.3333_3334insGA, p.Gln1112fs (NM_001407879.1, NM_001407881.1, NM_001407882.1 and 13 more transcripts); c.3330_3331insGA, p.Gln1111fs (NM_001407571.1, NM_001407853.1, NM_001407894.1 and 9 more transcripts); c.3534_3535insGA, p.Gln1179fs (NM_001407646.1, NM_001407647.1); and 41 more; short protein forms Q1135fs, Q1182fs, Q1055fs, Q1094fs, Q1115fs, Q1140fs, Q1155fs, Q1156fs.
Identifiers: ClinVar variation 462612 (VCV000462612.8), dbSNP rs1555587537, ClinGen allele CA658656689.